The following is an entry in ClinVar:

ClinVar aggregate classification (germline): Benign/Likely benign. Review status: criteria provided, multiple submitters, no conflicts (2 of 4 stars). 3 submissions from 3 submitters: Benign (1); Likely benign (2). Last evaluated 2025-10-16.

Conditions:
Hereditary cancer-predisposing syndrome. Also called: Tumor predisposition; Neoplastic Syndromes, Hereditary; Hereditary Cancer Syndrome; Hereditary neoplastic syndrome. Identifiers: Orphanet 140162, MedGen C0027672, MeSH D009386, MONDO:0015356.
Familial adenomatous polyposis 1 (FAP1). Also called: FAMILIAL ADENOMATOUS POLYPOSIS 1, ATTENUATED; POLYPOSIS, ADENOMATOUS INTESTINAL. Identifiers: MedGen C2713442, MONDO:0021056, OMIM 175100. Disease mechanism: loss of function.

Submissions (3):

Labcorp Genetics (formerly Invitae), Labcorp
Classification: Likely benign for Familial adenomatous polyposis 1. Last evaluated: 2025-10-16. Review status: criteria provided, single submitter. Criteria: Invitae Variant Classification Sherloc (09022015). Collection method: clinical testing. Allele origin: germline.

Myriad Genetics, Inc.
Classification: Benign for Familial adenomatous polyposis 1. Last evaluated: 2024-04-16. Review status: criteria provided, single submitter. Criteria: Myriad Autosomal Dominant, Autosomal Recessive and X-Linked Classification Criteria (2023). Collection method: clinical testing. Allele origin: unknown.
Comment: This variant is considered benign. This variant is a silent/synonymous amino acid change and it is not expected to impact splicing.

Ambry Genetics
Classification: Likely benign for Hereditary cancer-predisposing syndrome. Last evaluated: 2021-05-04. Review status: criteria provided, single submitter. Criteria: Ambry Variant Classification Scheme 2023. Collection method: clinical testing. Allele origin: germline.

NM_000038.6(APC):c.8472A>G (p.Glu2824=)

Gene: APC (APC regulator of Wnt signaling pathway; plus strand). Cytogenetic location: 5q22.2.
Variant type: single nucleotide variant.
Coding change: c.8472A>G on transcript NM_000038.6 (MANE Select); coding-DNA position 8472, A replaced by G.
Protein change: p.Glu2824=; no amino-acid change (glutamic acid 2824 retained).
Molecular consequence: synonymous variant.
Genome position (GRCh38, 1-based): chr5:112,844,066, A>G. VCF-style: chr5-112844066-A-G. GRCh37 (hg19) VCF-style: chr5-112179763-A-G.
Other names: c.8472A>G, p.Glu2824= (NM_001127510.3, NM_001354895.2); c.8418A>G, p.Glu2806= (NM_001127511.3); c.8526A>G, p.Glu2842= (NM_001354896.2); c.8502A>G, p.Glu2834= (NM_001354897.2); c.8397A>G, p.Glu2799= (NM_001354898.2); c.8388A>G, p.Glu2796= (NM_001354899.2); c.8349A>G, p.Glu2783= (NM_001354900.2); c.8295A>G, p.Glu2765= (NM_001354901.2); and 5 more.
Identifiers: ClinVar variation 1104564 (VCV001104564.13), dbSNP rs904461634, ClinGen allele CA446211428.